The following is an entry in ClinVar:

ClinVar aggregate classification (germline): Likely benign. Review status: criteria provided, multiple submitters, no conflicts (2 of 4 stars). 4 submissions from 4 submitters: Likely benign (3). 1 of the submissions does not count toward it. Last evaluated 2025-03-17.

Conditions:
Inborn genetic diseases. Identifiers: MedGen C0950123, MeSH D030342.
Mucolipidosis type II. Also called: Mucolipidosis 2; ML 2; Inclusion cell disease; Leroy Disease; N-acetylglucosamine 1phosphotransferase deficiency; ML disorder type 2. Identifiers: Orphanet 576, MedGen C2673377, MONDO:0009650, OMIM 252500.
Pseudo-Hurler polydystrophy. Also called: Type III Mucolipidosis; ML IIIA; Mucolipidosis III Alpha/Beta; ML III; ML III ALPHA/BETA; MUCOLIPIDOSIS IIIA. Identifiers: Orphanet 423461, Orphanet 577, MedGen C0033788, MONDO:0018931, OMIM 252600.

Allele frequency attached by ClinVar (database versions not stated): gnomAD 0.00001; gnomAD exomes 0.00001 and 0.00002; ExAC 0.00002; TOPMed 0.00002.
gnomAD v4.1: 14 of 1,614,060 alleles (0.00087%); highest among the groups gnomAD compares: Middle Eastern, 0.016%; no homozygotes.

Submissions (4):

Labcorp Genetics (formerly Invitae), Labcorp
Classification: Likely benign for Pseudo-Hurler polydystrophy; Mucolipidosis type II. Last evaluated: 2025-03-17. Review status: criteria provided, single submitter. Criteria: Invitae Variant Classification Sherloc (09022015). Collection method: clinical testing. Allele origin: germline.

Ambry Genetics
Classification: Likely benign for Inborn genetic diseases. Last evaluated: 2024-03-31. Review status: criteria provided, single submitter. Criteria: Ambry Variant Classification Scheme 2023. Collection method: clinical testing. Allele origin: germline.

CeGaT Center for Human Genetics Tuebingen
Classification: Likely benign. Last evaluated: 2023-11-01. Review status: criteria provided, single submitter. Criteria: CeGaT Center For Human Genetics Tuebingen Variant Classification Criteria Version 2. Collection method: clinical testing. Allele origin: germline. Affected: yes. Observed: 1 variant allele.
Comment: GNPTAB: BP4, BP7

Natera, Inc.
Classification: Likely benign for Mucolipidosis type II. Last evaluated: 2020-10-20. Review status: no assertion criteria provided. Collection method: clinical testing. Allele origin: germline. Not counted in ClinVar's aggregate classification.

NM_024312.5(GNPTAB):c.2094A>G (p.Val698=)

Gene: GNPTAB (N-acetylglucosamine-1-phosphate transferase subunits alpha and beta; minus strand). Cytogenetic location: 12q23.2.
Variant type: single nucleotide variant.
Coding change: c.2094A>G on transcript NM_024312.5 (MANE Select); coding-DNA position 2094, A replaced by G.
Protein change: p.Val698=; no amino-acid change (valine 698 retained).
Molecular consequence: synonymous variant.
Genome position (GRCh38, 1-based): chr12:101,764,823, T>C on the plus strand (A>G on the coding strand, the complement: GNPTAB is on the minus strand). VCF-style: chr12-101764823-T-C. GRCh37 (hg19) VCF-style: chr12-102158601-T-C.
Identifiers: ClinVar variation 766601 (VCV000766601.35), dbSNP rs778029826, ClinGen allele CA6746477.